The following is an entry in ClinVar:

ClinVar aggregate classification (germline): Uncertain significance (1 of 4 stars; one submission).

Submission:

GeneDx
Classification: Uncertain significance. Last evaluated: 2019-10-18. Review status: criteria provided, single submitter. Criteria: GeneDx Variant Classification Process June 2021. Collection method: clinical testing. Allele origin: germline. Affected: yes.
Comment: Not observed in large population cohorts (Lek et al., 2016); In-silico analysis, which includes splice predictors and evolutionary conservation, is inconclusive as to whether the variant alters gene splicing. In the absence of RNA/functional studies, the actual effect of this sequence change is unknown.; Has not been previously published as pathogenic or benign to our knowledge

NM_130811.4(SNAP25):c.115-3dup

Gene: SNAP25 (synaptosome associated protein 25; plus strand). Cytogenetic location: 20p12.2.
Variant type: Duplication.
Coding change: c.115-3dup on transcript NM_130811.4 (MANE Select); 3 bases into the intron before coding-DNA position 115, one base duplicated (T; older notation c.115-3dupT).
Molecular consequence: intron variant.
Genome position (GRCh38, 1-based): chr20:10,284,721, T duplicated. VCF-style (leftmost placement, unchanged base first): chr20-10284720-G-GT. GRCh37 (hg19) VCF-style: chr20-10265368-G-GT.
Other names: c.115-3dup (NM_001322907.2, NM_001322910.2, NM_001322904.2 and 7 more transcripts).
Identifiers: ClinVar variation 1309046 (VCV001309046.2), dbSNP rs2123063779, ClinGen allele CA2573054854.
Genomic context (GRCh38, chr20:10,284,720, plus strand): 5'-TTTCTCTTTCTCTCTTTTCTCTCTCTAACTCCTTTTCAACTTTGCTACCATTATTGGAAT[G>GT]TAGAGTAAAGATGCTGGTATCAGGACTTTGGTTATGTTGGATGAACAAGGAGGTAAGTTC-3'